The following is an entry in ClinVar:

ClinVar aggregate classification (germline): Conflicting classifications of pathogenicity. Review status: criteria provided, conflicting classifications (1 of 4 stars). 3 submissions from 3 submitters: Likely pathogenic (1); Uncertain significance (2). Last evaluated 2025-04-07.

Conditions:
Cystic fibrosis (CF). Also called: MUCOVISCIDOSIS. Identifiers: Orphanet 586, MedGen C0010674, MONDO:0009061, OMIM 219700. Disease mechanism: loss of function.
CFTR-related disorder (CFTR-RD). Also called: CFTR-related disorders; CFTR-related condition. Identifiers: MedGen C5924204, MONDO:7770004.

Allele frequency attached by ClinVar (database versions not stated): gnomAD exomes below 0.00001; ExAC 0.00001.
gnomAD v4.1: 1 of 1,565,766 alleles (0.000064%); highest among the groups gnomAD compares: Non-Finnish European, 0.000088%; no homozygotes.

Submissions (3):

Natera, Inc.
Classification: Likely pathogenic for CFTR-related disorders. Last evaluated: 2025-04-07. Review status: criteria provided, single submitter. Criteria: Natera Variant Classification Schema (03/2026). Collection method: clinical testing. Allele origin: germline.
Comment: The c.2978A>G variant in CFTR is a missense variant predicted to cause substitution of aspartic acid to glycine at amino acid 993. This variant is rare in the general population with a frequency below the threshold expected for the associated phenotype(s). This variant has been observed in one or more individuals affected with the associated recessive disease, as either homozygous or compound heterozygous with a second variant (PMID: 30134826). Functional studies show that this variant may disrupt protein function (PMID: 38388235). Computational prediction algorithms indicate this variant is likely to affect gene or protein function. Given the available evidence, this variant is classified as Likely Pathogenic.

Labcorp Genetics (formerly Invitae), Labcorp
Classification: Uncertain significance for Cystic fibrosis. Last evaluated: 2023-11-01. Review status: criteria provided, single submitter. Criteria: Invitae Variant Classification Sherloc (09022015). Collection method: clinical testing. Allele origin: germline.
Comment: This sequence change replaces aspartic acid, which is acidic and polar, with glycine, which is neutral and non-polar, at codon 993 of the CFTR protein (p.Asp993Gly). This variant is present in population databases (rs777904861, gnomAD 0.0009%). This variant has not been reported in the literature in individuals affected with CFTR-related conditions. Advanced modeling of protein sequence and biophysical properties (such as structural, functional, and spatial information, amino acid conservation, physicochemical variation, residue mobility, and thermodynamic stability) performed at Invitae indicates that this missense variant is expected to disrupt CFTR protein function with a positive predictive value of 80%. In summary, the available evidence is currently insufficient to determine the role of this variant in disease. Therefore, it has been classified as a Variant of Uncertain Significance.

Women's Health and Genetics/Laboratory Corporation of America, LabCorp
Classification: Uncertain significance. Last evaluated: 2023-10-30. Review status: criteria provided, single submitter. Criteria: LabCorp Variant Classification Summary - May 2015. Collection method: clinical testing. Allele origin: germline.
Comment: Variant summary: CFTR c.2978A>G (p.Asp993Gly) results in a non-conservative amino acid change located in the ABC transporter type 1, transmembrane domain (IPR011527) of the encoded protein sequence. Five of five in-silico tools predict a damaging effect of the variant on protein function. The variant allele was found at a frequency of 4e-06 in 251120 control chromosomes (gnomAD). The available data on variant occurrences in the general population are insufficient to allow any conclusion about variant significance. c.2978A>G has been reported in the literature as a compound heterozygous genotype in an individual affected with Cystic Fibrosis (Sofia_2008) and in trans with F508del in an individual with moderate pulmonary symptoms (Staphylococcus infections) and an episode of pancreatitis in childhood, but who had negative sweat chloride test results (SickKids CFTR database). These data do not allow any conclusion about variant significance. To our knowledge, no experimental evidence demonstrating an impact on protein function has been reported. The following publication has been ascertained in the context of this evaluation (PMID: 30134826). No submitters have cited clinical-significance assessments for this variant to ClinVar after 2014. Based on the evidence outlined above, the variant was classified as uncertain significance.

Literature cited by the submitters: PubMed 30134826 (cited by Natera, Inc. and Women's Health and Genetics/Laboratory Corporation of America, LabCorp); PubMed 38388235 (cited by Natera, Inc.).

NM_000492.4(CFTR):c.2978A>G (p.Asp993Gly)

Genes: CFTR (CF transmembrane conductance regulator; plus strand), CFTR-AS2 (CFTR antisense RNA 2; minus strand). Cytogenetic location: 7q31.2.
Variant type: single nucleotide variant.
Coding change: c.2978A>G on transcript NM_000492.4 (MANE Select); coding-DNA position 2978, A replaced by G.
Protein change: p.Asp993Gly; replaces aspartic acid 993 with glycine.
Molecular consequence: missense variant.
Genome position (GRCh38, 1-based): chr7:117,606,743, A>G. VCF-style: chr7-117606743-A-G. GRCh37 (hg19) VCF-style: chr7-117246797-A-G.
Other names: short protein forms D993G.
Identifiers: ClinVar variation 2637539 (VCV002637539.5), dbSNP rs777904861, ClinGen allele CA4451342.